The following is an entry in ClinVar:

NM_183065.4(TMEM107):c.363A>G (p.Pro121=)

Genes: TMEM107 (transmembrane protein 107; minus strand), LOC105371520 (uncharacterized LOC105371520; plus strand). Cytogenetic location: 17p13.1.
Variant type: single nucleotide variant.
Coding change: c.363A>G on transcript NM_183065.4 (MANE Select); coding-DNA position 363, A replaced by G.
Protein change: p.Pro121=; no amino-acid change (proline 121 retained).
Molecular consequence: synonymous variant. On other transcripts: non-coding transcript variant (1).
Genome position (GRCh38, 1-based): chr17:8,174,263, T>C on the plus strand (A>G on the coding strand, the complement: TMEM107 is on the minus strand). VCF-style: chr17-8174263-T-C. GRCh37 (hg19) VCF-style: chr17-8077581-T-C.
Other names: c.360A>G, p.Pro120= (NM_001351278.2); c.342A>G, p.Pro114= (NM_001351279.2); c.165A>G, p.Pro55= (NM_001351280.2); c.381A>G, p.Pro127= (NM_032354.5).
Identifiers: ClinVar variation 725988 (VCV000725988.14), dbSNP rs74895707, ClinGen allele CA8370931.

ClinVar aggregate classification (germline): Benign. Review status: criteria provided, multiple submitters, no conflicts (2 of 4 stars). 3 submissions from 3 submitters: Benign (2). 1 of the submissions does not count toward it. Last evaluated 2026-01-12.

Conditions:
TMEM107-related disorder. Also called: TMEM107-related condition.

Allele frequency attached by ClinVar (database versions not stated): ESP Exome Variant Server 0.00031; gnomAD exomes 0.00170 and 0.00478; gnomAD 0.00179 and 0.00232; TOPMed 0.00254; ExAC 0.00503; 1000 Genomes Project 30x 0.00890; 1000 Genomes Project 0.00938.
gnomAD v4.1: 2,854 of 1,614,162 alleles (0.18%); highest among the groups gnomAD compares: East Asian, 3.8%; 33 homozygotes.

Submissions (3):

Labcorp Genetics (formerly Invitae), Labcorp
Classification: Benign. Last evaluated: 2026-01-12. Review status: criteria provided, single submitter. Criteria: Invitae Variant Classification Sherloc (09022015). Collection method: clinical testing. Allele origin: germline.

Breakthrough Genomics
Classification: Benign. Review status: criteria provided, single submitter. Criteria: ACMG Guidelines, 2015. Collection method: not provided. Allele origin: germline. Inheritance: Autosomal recessive inheritance. Affected: yes.

PreventionGenetics, part of Exact Sciences
Classification: Benign for TMEM107-related condition. Last evaluated: 2019-03-25. Review status: no assertion criteria provided. Collection method: clinical testing. Allele origin: germline. Not counted in ClinVar's aggregate classification.
Comment: This variant is classified as benign based on ACMG/AMP sequence variant interpretation guidelines (Richards et al. 2015 PMID: 25741868, with internal and published modifications).